The following is an entry in ClinVar:

NM_004360.5(CDH1):c.1210C>G (p.Pro404Ala)

Gene: CDH1 (cadherin 1; plus strand). Cytogenetic location: 16q22.1.
Variant type: single nucleotide variant.
Coding change: c.1210C>G on transcript NM_004360.5 (MANE Select); coding-DNA position 1210, C replaced by G.
Protein change: p.Pro404Ala; replaces proline 404 with alanine.
Molecular consequence: missense variant. On other transcripts: 5 prime UTR variant (2), intron variant (1).
Genome position (GRCh38, 1-based): chr16:68,813,385, C>G. VCF-style: chr16-68813385-C-G. GRCh37 (hg19) VCF-style: chr16-68847288-C-G.
Other names: c.-406C>G (NM_001317185.2); c.-610C>G (NM_001317186.2); c.1137+1122C>G (NM_001317184.2); c.1210C>G (NM_004360.3); short protein forms P404A.
Identifiers: ClinVar variation 628212 (VCV000628212.14), dbSNP rs1334047600, ClinGen allele CA396461315.
Genomic context (GRCh38, chr16:68,813,385, plus strand): 5'-GTGCCTGAGAACGAGGCTAACGTCGTAATCACCACACTGAAAGTGACTGATGCTGATGCC[C>G]CCAATACCCCAGCGTGGGAGGCTGTATACACCATATTGAATGATGATGGTGGACAATTTG-3'
Protein context (NP_004351.1, residues 394-414): TTLKVTDADA[Pro404Ala]NTPAWEAVYT

ClinVar aggregate classification (germline): Uncertain significance. Review status: criteria provided, multiple submitters, no conflicts (2 of 4 stars). 4 submissions from 4 submitters: Uncertain significance (4). Last evaluated 2025-05-21.

Conditions:
Hereditary cancer-predisposing syndrome. Also called: Tumor predisposition; Neoplastic Syndromes, Hereditary; Hereditary Cancer Syndrome; Hereditary neoplastic syndrome. Identifiers: Orphanet 140162, MedGen C0027672, MeSH D009386, MONDO:0015356.
Hereditary diffuse gastric adenocarcinoma (HDGC). Also called: DIFFUSE GASTRIC AND LOBULAR BREAST CANCER SYNDROME. Identifiers: Orphanet 26106, MedGen C1708349, MONDO:0007648, OMIM 137215.

Submissions (4):

Ambry Genetics
Classification: Uncertain significance for Hereditary cancer-predisposing syndrome. Last evaluated: 2025-05-21. Review status: criteria provided, single submitter. Criteria: Ambry Variant Classification Scheme 2023. Collection method: clinical testing. Allele origin: germline.
Comment: The p.P404A variant (also known as c.1210C>G), located in coding exon 9 of the CDH1 gene, results from a C to G substitution at nucleotide position 1210. The proline at codon 404 is replaced by alanine, an amino acid with highly similar properties. This amino acid position is conserved. In addition, this alteration is predicted to be tolerated by in silico analysis. Based on the available evidence, the clinical significance of this variant remains unclear.

Color Diagnostics, LLC DBA Color Health
Classification: Uncertain significance for Hereditary cancer-predisposing syndrome. Last evaluated: 2023-12-04. Review status: criteria provided, single submitter. Criteria: ACMG Guidelines, 2015. Collection method: clinical testing. Allele origin: germline.
Comment: This missense variant replaces proline with alanine at codon 404 of the CDH1 protein. To our knowledge, functional studies have not been reported for this variant. This variant has not been reported in individuals affected with CDH1-related disorders in the literature. This variant has not been identified in the general population by the Genome Aggregation Database (gnomAD). The available evidence is insufficient to determine the role of this variant in disease conclusively. Therefore, this variant is classified as a Variant of Uncertain Significance.

Quest Diagnostics Nichols Institute San Juan Capistrano
Classification: Uncertain significance. Last evaluated: 2023-07-21. Review status: criteria provided, single submitter. Criteria: Quest Diagnostics criteria. Collection method: clinical testing. Allele origin: unknown.
Comment: This variant has not been reported in the published literature. It also has not been reported in large, multi-ethnic general populations (Genome Aggregation Database). Analysis of this variant using bioinformatics tools for the prediction of the effect of amino acid changes on protein structure and function yielded conflicting predictions that this variant is deleterious or benign. Based on the available information, we are unable to determine the clinical significance of this variant.

Labcorp Genetics (formerly Invitae), Labcorp
Classification: Uncertain significance for Hereditary diffuse gastric adenocarcinoma. Last evaluated: 2020-12-15. Review status: criteria provided, single submitter. Criteria: Invitae Variant Classification Sherloc (09022015). Collection method: clinical testing. Allele origin: germline.
Comment: This sequence change replaces proline with alanine at codon 404 of the CDH1 protein (p.Pro404Ala). The proline residue is highly conserved and there is a small physicochemical difference between proline and alanine. In summary, the available evidence is currently insufficient to determine the role of this variant in disease. Therefore, it has been classified as a Variant of Uncertain Significance. Algorithms developed to predict the effect of missense changes on protein structure and function output the following: SIFT: "Deleterious"; PolyPhen-2: "Benign"; Align-GVGD: "Class C0". The alanine amino acid residue is found in multiple mammalian species, suggesting that this missense change does not adversely affect protein function. These predictions have not been confirmed by published functional studies and their clinical significance is uncertain. This variant has not been reported in the literature in individuals with CDH1-related conditions. ClinVar contains an entry for this variant (Variation ID: 628212). This variant is not present in population databases (ExAC no frequency).